The following is an entry in ClinVar:

NM_018117.12(WDR11):c.2828A>T (p.Lys943Met)

Gene: WDR11 (WD repeat domain 11; plus strand). Cytogenetic location: 10q26.12.
Variant type: single nucleotide variant.
Coding change: c.2828A>T on transcript NM_018117.12 (MANE Select); coding-DNA position 2828, A replaced by T.
Protein change: p.Lys943Met; replaces lysine 943 with methionine.
Molecular consequence: missense variant.
Genome position (GRCh38, 1-based): chr10:120,903,129, A>T. VCF-style: chr10-120903129-A-T. GRCh37 (hg19) VCF-style: chr10-122662641-A-T.
Other names: short protein forms K943M.
Identifiers: ClinVar variation 2696683 (VCV002696683.3), dbSNP rs2493379921, ClinGen allele CA378312998.

ClinVar aggregate classification (germline): Uncertain significance (1 of 4 stars; one submission).

Allele frequency attached by ClinVar (database versions not stated): gnomAD exomes below 0.00001.
gnomAD v4.1: 1 of 1,614,166 alleles (0.000062%); highest among the groups gnomAD compares: South Asian, 0.0011%; no homozygotes.

Submission:

Labcorp Genetics (formerly Invitae), Labcorp
Classification: Uncertain significance. Last evaluated: 2023-11-17. Review status: criteria provided, single submitter. Criteria: Invitae Variant Classification Sherloc (09022015). Collection method: clinical testing. Allele origin: germline.
Comment: This sequence change replaces lysine, which is basic and polar, with methionine, which is neutral and non-polar, at codon 943 of the WDR11 protein (p.Lys943Met). This variant is not present in population databases (gnomAD no frequency). This variant has not been reported in the literature in individuals affected with WDR11-related conditions. An algorithm developed to predict the effect of missense changes on protein structure and function (PolyPhen-2) suggests that this variant is likely to be disruptive. In summary, the available evidence is currently insufficient to determine the role of this variant in disease. Therefore, it has been classified as a Variant of Uncertain Significance.